The following is an entry in ClinVar:

NM_007254.4(PNKP):c.1206G>A (p.Trp402Ter)

Gene: PNKP (polynucleotide kinase 3'-phosphatase; minus strand). Cytogenetic location: 19q13.33.
Variant type: single nucleotide variant.
Coding change: c.1206G>A on transcript NM_007254.4 (MANE Select); coding-DNA position 1206, G replaced by A.
Protein change: p.Trp402Ter; replaces tryptophan 402 with a stop codon.
Molecular consequence: nonsense.
Genome position (GRCh38, 1-based): chr19:49,861,864, C>T on the plus strand (G>A on the coding strand, the complement: PNKP is on the minus strand). VCF-style: chr19-49861864-C-T. GRCh37 (hg19) VCF-style: chr19-50365121-C-T.
Other names: short protein forms W402*.
Identifiers: ClinVar variation 2721095 (VCV002721095.3), dbSNP rs763027558, ClinGen allele CA309540091.

ClinVar aggregate classification (germline): Pathogenic (1 of 4 stars; one submission).

Conditions:
Developmental and epileptic encephalopathy, 12 (DEE12). Identifiers: MedGen C3150988, MONDO:0013389, OMIM 613722.

Allele frequency attached by ClinVar (database versions not stated): gnomAD exomes 0.00001.
gnomAD v4.1: 13 of 1,591,930 alleles (0.00082%); highest among the groups gnomAD compares: Non-Finnish European, 0.0011%; no homozygotes.

Submission:

Labcorp Genetics (formerly Invitae), Labcorp
Classification: Pathogenic for Developmental and epileptic encephalopathy, 12. Last evaluated: 2023-04-26. Review status: criteria provided, single submitter. Criteria: Invitae Variant Classification Sherloc (09022015). Collection method: clinical testing. Allele origin: germline.
Comment: For these reasons, this variant has been classified as Pathogenic. This variant has not been reported in the literature in individuals affected with PNKP-related conditions. This variant is not present in population databases (gnomAD no frequency). This sequence change creates a premature translational stop signal (p.Trp402*) in the PNKP gene. It is expected to result in an absent or disrupted protein product. Loss-of-function variants in PNKP are known to be pathogenic (PMID: 20118933, 25728773).

Literature cited by the submitters: PubMed 20118933; PubMed 25728773.